The following is an entry in ClinVar:

ClinVar aggregate classification (germline): Uncertain significance (1 of 4 stars; one submission).
ClinVar aggregate classification (somatic clinical impact): Tier II - Potential (1 of 4 stars; one submission).

Conditions:
Medulloblastoma non-WNT/non-SHH group 3. Identifiers: MedGen C4330665, MONDO:0956966.

Submissions (2):

Institute for Genomic Medicine (IGM) Clinical Laboratory, Nationwide Children's Hospital
Classification: Tier II - Potential for Medulloblastoma non-WNT/non-SHH group 3. Assertion type: diagnostic. Clinical significance: supports diagnosis. Last evaluated: 2024-12-26. Review status: criteria provided, single submitter. Criteria: AMP/ASCO/CAP Guidelines, 2017. Collection method: clinical testing. Allele origin: somatic. Affected: yes.
Comment: Variant has Tier II (potential) clinical significance as a diagnostic inclusion criterion in medulloblastoma non-WNT/non-SHH group 3, based on the following evidence: 1) Diagnostic significance based on multiple small studies (Evidence Level C; PMIDs: 22820256, 22832583, 22722829, 28726821).

Labcorp Genetics (formerly Invitae), Labcorp
Classification: Uncertain significance. Last evaluated: 2022-09-07. Review status: criteria provided, single submitter. Criteria: Invitae Variant Classification Sherloc (09022015). Collection method: clinical testing. Allele origin: germline.
Comment: This variant disrupts the p.Thr323 amino acid residue in DDX3X. Other variant(s) that disrupt this residue have been determined to be pathogenic (PMID: 32135084). This suggests that this residue is clinically significant, and that variants that disrupt this residue are likely to be disease-causing. In summary, the available evidence is currently insufficient to determine the role of this variant in disease. Therefore, it has been classified as a Variant of Uncertain Significance. Algorithms developed to predict the effect of missense changes on protein structure and function are either unavailable or do not agree on the potential impact of this missense change (SIFT: "Deleterious"; PolyPhen-2: "Not Available"; Align-GVGD: "Class C55"). This missense change has been observed in individual(s) with clinical features of DDX3X-related conditions (PMID: 29302074). This variant is present in population databases (no rsID available, gnomAD 0.008%). This sequence change replaces threonine, which is neutral and polar, with alanine, which is neutral and non-polar, at codon 323 of the DDX3X protein (p.Thr323Ala).

Literature cited by the submitters: PubMed 22820256 (cited by Institute for Genomic Medicine (IGM) Clinical Laboratory, Nationwide Children's Hospital); PubMed 22832583 (cited by Institute for Genomic Medicine (IGM) Clinical Laboratory, Nationwide Children's Hospital); PubMed 22722829 (cited by Institute for Genomic Medicine (IGM) Clinical Laboratory, Nationwide Children's Hospital); PubMed 28726821 (cited by Institute for Genomic Medicine (IGM) Clinical Laboratory, Nationwide Children's Hospital); PubMed 32135084 (cited by Labcorp Genetics (formerly Invitae), Labcorp); PubMed 29302074 (cited by Labcorp Genetics (formerly Invitae), Labcorp).

NM_001356.5(DDX3X):c.967A>G (p.Thr323Ala)

Gene: DDX3X (DEAD-box helicase 3 X-linked; plus strand). Cytogenetic location: Xp11.4.
Variant type: single nucleotide variant.
Coding change: c.967A>G on transcript NM_001356.5 (MANE Select); coding-DNA position 967, A replaced by G.
Protein change: p.Thr323Ala; replaces threonine 323 with alanine.
Molecular consequence: missense variant. On other transcripts: non-coding transcript variant (1).
Genome position (GRCh38, 1-based): chrX:41,344,341, A>G. VCF-style: chrX-41344341-A-G. GRCh37 (hg19) VCF-style: chrX-41203594-A-G.
Other names: c.967A>G, p.Thr323Ala (NM_001193416.3); c.919A>G, p.Thr307Ala (NM_001193417.3); c.409A>G, p.Thr137Ala (NM_001363819.1); short protein forms T137A, T323A, T307A.
Identifiers: ClinVar variation 2152341 (VCV002152341.5), dbSNP rs1237306159, ClinGen allele CA412771069.